The following is an entry in ClinVar:

NM_001430.5(EPAS1):c.2115G>C (p.Lys705Asn)

Gene: EPAS1 (endothelial PAS domain protein 1; plus strand). Cytogenetic location: 2p21.
Variant type: single nucleotide variant.
Coding change: c.2115G>C on transcript NM_001430.5 (MANE Select); coding-DNA position 2115, G replaced by C.
Protein change: p.Lys705Asn; replaces lysine 705 with asparagine.
Molecular consequence: missense variant.
Genome position (GRCh38, 1-based): chr2:46,381,665, G>C. VCF-style: chr2-46381665-G-C. GRCh37 (hg19) VCF-style: chr2-46608804-G-C.
Other names: short protein forms K705N.
Identifiers: ClinVar variation 1786171 (VCV001786171.3), dbSNP rs1285513279, ClinGen allele CA346705560.

ClinVar aggregate classification (germline): Uncertain significance (1 of 4 stars; one submission).

Conditions:
Inborn genetic diseases. Identifiers: MedGen C0950123, MeSH D030342.

Submission:

Ambry Genetics
Classification: Uncertain significance for Inborn genetic diseases. Last evaluated: 2024-06-17. Review status: criteria provided, single submitter. Criteria: Ambry Variant Classification Scheme 2023. Collection method: clinical testing. Allele origin: germline.
Comment: The p.K705N variant (also known as c.2115G>C), located in coding exon 13 of the EPAS1 gene, results from a G to C substitution at nucleotide position 2115. The lysine at codon 705 is replaced by asparagine, an amino acid with similar properties. This amino acid position is conserved. In addition, this alteration is predicted to be tolerated by in silico analysis. Since supporting evidence is limited at this time, the clinical significance of this alteration remains unclear.